The following is an entry in ClinVar:

ClinVar aggregate classification (germline): Benign. Review status: criteria provided, multiple submitters, no conflicts (2 of 4 stars). 2 submissions from 2 submitters: Benign (2). Last evaluated 2018-01-13.

Conditions:
D-2-hydroxyglutaric aciduria 1 (D2HGA1). Identifiers: Orphanet 79315, MedGen C3152055, MONDO:0024554, OMIM 600721.

Allele frequency attached by ClinVar (database versions not stated): 1000 Genomes Project 0.03135; 1000 Genomes Project 30x 0.03139; TOPMed 0.05845; gnomAD 0.06281 and 0.06400; gnomAD exomes 0.06989.
gnomAD v4.1: 9,542 of 152,358 alleles (6.3%); highest among the groups gnomAD compares: Non-Finnish European, 10%; 409 homozygotes.

Submissions (2):

Illumina Laboratory Services, Illumina
Classification: Benign for D-2-hydroxyglutaric aciduria 1. Last evaluated: 2018-01-13. Review status: criteria provided, single submitter. Criteria: ICSL Variant Classification Criteria 13 December 2019. Collection method: clinical testing. Allele origin: germline.
Comment: This variant was observed in the ICSL laboratory as part of a predisposition screen in an ostensibly healthy population. It had not been previously curated by ICSL or reported in the Human Gene Mutation Database (HGMD: prior to June 1st, 2018), and was therefore a candidate for classification through an automated scoring system. Utilizing variant allele frequency, disease prevalence and penetrance estimates, and inheritance mode, an automated score was calculated to assess if this variant is too frequent to cause the disease. Based on the score and internal cut-off values, a variant classified as benign is not then subjected to further curation. The score for this variant resulted in a classification of benign for this disease.

Breakthrough Genomics
Classification: Benign. Review status: criteria provided, single submitter. Criteria: ACMG Guidelines, 2015. Collection method: not provided. Allele origin: germline. Inheritance: Autosomal recessive inheritance. Affected: yes.

NM_152783.5(D2HGDH):c.*661C>T

Gene: D2HGDH (D-2-hydroxyglutarate dehydrogenase; plus strand). Cytogenetic location: 2q37.3.
Variant type: single nucleotide variant.
Coding change: c.*661C>T on transcript NM_152783.5 (MANE Select); 661 bases downstream of the stop codon, C replaced by T.
Molecular consequence: 3 prime UTR variant. On other transcripts: non-coding transcript variant (1).
Genome position (GRCh38, 1-based): chr2:241,768,630, C>T. VCF-style: chr2-241768630-C-T. GRCh37 (hg19) VCF-style: chr2-242708045-C-T.
Other names: c.*661C>T (NM_001287249.2, NM_001352824.2).
Identifiers: ClinVar variation 335344 (VCV000335344.6), dbSNP rs113372064, ClinGen allele CA10613362.